The following is an entry in ClinVar:

ClinVar aggregate classification (germline): Pathogenic. Review status: reviewed by expert panel (3 of 4 stars). 2 submissions from 2 submitters: Pathogenic (1). 1 of the submissions does not count toward it. Last evaluated 2017-12-15.

Conditions:
Breast-ovarian cancer, familial, susceptibility to, 2 (BROVCA2). Also called: BRCA2 Hereditary Breast and Ovarian Cancer. Identifiers: Orphanet 145, MedGen C2675520, MONDO:0012933, OMIM 612555. Disease mechanism: loss of function.

Submissions (2):

Evidence-based Network for the Interpretation of Germline Mutant Alleles (ENIGMA)
Classification: Pathogenic for Breast-ovarian cancer, familial, susceptibility to, 2. Last evaluated: 2017-12-15. Review status: reviewed by expert panel. Criteria: ENIGMA BRCA1/2 Classification Criteria (2017-06-29). Collection method: curation. Allele origin: germline. Study: ENIGMA.
Comment: Variant allele predicted to encode a truncated non-functional protein.

GeneDx
Classification: Pathogenic. Last evaluated: 2015-02-11. Review status: criteria provided, single submitter. Criteria: GeneDx Variant Classification (06012015). Collection method: clinical testing. Allele origin: germline. Affected: yes. Not counted in ClinVar's aggregate classification.
Comment: This duplication of 22 nucleotides in BRCA2 is denoted c.9309_9330dup22 at the cDNA level and p.Glu3111LysfsX7 (E3111KfsX7) at the protein level. The surrounding sequence is CAAT[dup22]GAGG. The duplication causes a frameshift, which changes a Glutamic Acid to a Lysine at codon 3111, and creates a premature stop codon at position 7 of the new reading frame. Although this variant has not, to our knowledge, been reported in the literature, it is predicted to cause loss of normal protein function through either protein truncation or nonsense-mediated mRNA decay. we consider this variant to be pathogenic.

NM_000059.4(BRCA2):c.9309_9330dup (p.Glu3111delinsLysValLeuAspArgProTer)

Gene: BRCA2 (BRCA2 DNA repair associated; plus strand). Cytogenetic location: 13q13.1.
Variant type: Duplication.
Coding change: c.9309_9330dup on transcript NM_000059.4 (MANE Select); coding-DNA positions 9309 to 9330, 22 bases duplicated (AAAGTTTTGGATAGACCTTAAT).
Protein change: p.Glu3111delinsLysValLeuAspArgProTer.
Molecular consequence: nonsense.
Genome position (GRCh38, 1-based): chr13:32,394,741-32,394,762, AAAGTTTTGGATAGACCTTAAT duplicated; duplicating any 22 consecutive bases within chr13:32,394,738-32,394,762 gives the same sequence; the c. name uses the placement nearest the transcript's 3' end. VCF-style (leftmost placement, unchanged base first): chr13-32394737-C-CAATAAAGTTTTGGATAGACCTT. GRCh37 (hg19) VCF-style: chr13-32968874-C-CAATAAAGTTTTGGATAGACCTT.
Other names: c.9309_9330dupAAAGTTTTGGATAGACCTTAAT (NM_000059.3).
Identifiers: ClinVar variation 418091 (VCV000418091.2), dbSNP rs1555289518, ClinGen allele CA16619789.